The following is an entry in ClinVar:

NM_001375524.1(TRRAP):c.2766_2774del (p.Ser923_Thr925del)

Gene: TRRAP (transformation/transcription domain associated protein; plus strand). Cytogenetic location: 7q22.1.
Variant type: Deletion.
Coding change: c.2766_2774del on transcript NM_001375524.1 (MANE Select); coding-DNA positions 2766 to 2774, 9 bases deleted (CAGCATCAC; older notation c.2766_2774delCAGCATCAC).
Protein change: p.Ser923_Thr925del.
Molecular consequence: inframe deletion.
Genome position (GRCh38, 1-based): chr7:98,921,896-98,921,904, CAGCATCAC deleted; deleting any 9 consecutive bases within chr7:98,921,895-98,921,904 gives the same sequence; the c. name uses the placement nearest the transcript's 3' end. VCF-style (leftmost placement, unchanged base first): chr7-98921894-CCCAGCATCA-C. GRCh37 (hg19) VCF-style: chr7-98519517-CCCAGCATCA-C.
Other names: c.2766_2774del, p.Ser923_Thr925del (NM_001244580.2, NM_003496.4).
Identifiers: ClinVar variation 3345952 (VCV003345952.1).

ClinVar aggregate classification (germline): Likely pathogenic (0 of 4 stars; one submission).

Conditions:
TRRAP-related disorder. Also called: TRRAP-related condition.

Submission:

PreventionGenetics, part of Exact Sciences
Classification: Likely pathogenic for TRRAP-related condition. Last evaluated: 2024-04-27. Review status: no assertion criteria provided. Collection method: clinical testing. Allele origin: germline.
Comment: The TRRAP c.2766_2774del9 variant is predicted to result in an in-frame deletion (p.Ser923_Thr925del). To our knowledge, this variant has not been reported in the literature or in a large population database, indicating this variant is rare. This variant is interpreted as likely pathogenic.